The following is an entry in ClinVar:

NM_031448.6(C19orf12):c.*3518C>A

Gene: C19orf12 (chromosome 19 open reading frame 12; minus strand). Cytogenetic location: 19q12.
Variant type: single nucleotide variant.
Coding change: c.*3518C>A on transcript NM_031448.6 (MANE Select); 3518 bases downstream of the stop codon, C replaced by A.
Molecular consequence: 3 prime UTR variant.
Genome position (GRCh38, 1-based): chr19:29,699,194, G>T on the plus strand (C>A on the coding strand, the complement: C19orf12 is on the minus strand). VCF-style: chr19-29699194-G-T. GRCh37 (hg19) VCF-style: chr19-30190101-G-T.
Other names: c.*3518C>A (NM_001031726.4, NM_001256047.2, NM_001282929.1 and 2 more transcripts); c.*3565C>A (NM_001256046.3).
Identifiers: ClinVar variation 328657 (VCV000328657.5), dbSNP rs62105838, ClinGen allele CA9351608.

ClinVar aggregate classification (germline): Benign (1 of 4 stars; one submission).

Conditions:
Neurodegeneration with brain iron accumulation 4 (NBIA4). Also called: MITOCHONDRIAL PROTEIN-ASSOCIATED NEURODEGENERATION. Identifiers: Orphanet 289560, MedGen C3280371, MONDO:0013674, OMIM 614298. Disease mechanism: loss of function.

Allele frequency attached by ClinVar (database versions not stated): TOPMed 0.04825; 1000 Genomes Project 30x 0.09432; 1000 Genomes Project 0.10124.
gnomAD v4.1: 34,922 of 453,732 alleles (7.7%); highest among the groups gnomAD compares: East Asian, 19%; 2,020 homozygotes.

Submission:

Illumina Laboratory Services, Illumina
Classification: Benign for Neurodegeneration with brain iron accumulation 4. Last evaluated: 2018-01-13. Review status: criteria provided, single submitter. Criteria: ICSL Variant Classification Criteria 13 December 2019. Collection method: clinical testing. Allele origin: germline.
Comment: This variant was observed in the ICSL laboratory as part of a predisposition screen in an ostensibly healthy population. It had not been previously curated by ICSL or reported in the Human Gene Mutation Database (HGMD: prior to June 1st, 2018), and was therefore a candidate for classification through an automated scoring system. Utilizing variant allele frequency, disease prevalence and penetrance estimates, and inheritance mode, an automated score was calculated to assess if this variant is too frequent to cause the disease. Based on the score and internal cut-off values, a variant classified as benign is not then subjected to further curation. The score for this variant resulted in a classification of benign for this disease.